The following is an entry in ClinVar:

ClinVar aggregate classification (germline): Uncertain significance. Review status: criteria provided, multiple submitters, no conflicts (2 of 4 stars). 2 submissions from 2 submitters: Uncertain significance (2). Last evaluated 2025-09-09.

Allele frequency attached by ClinVar (database versions not stated): TOPMed 0.00011; gnomAD 0.00013; gnomAD exomes 0.00016; ExAC 0.00035.
gnomAD v4.1: 254 of 1,583,068 alleles (0.016%); highest among the groups gnomAD compares: Non-Finnish European, 0.02%; no homozygotes.

Submissions (2):

Ambry Genetics
Classification: Uncertain significance. Last evaluated: 2025-09-09. Review status: criteria provided, single submitter. Criteria: Ambry Variant Classification Scheme 2023. Collection method: clinical testing. Allele origin: germline.

Labcorp Genetics (formerly Invitae), Labcorp
Classification: Uncertain significance. Last evaluated: 2025-08-15. Review status: criteria provided, single submitter. Criteria: Invitae Variant Classification Sherloc (09022015). Collection method: clinical testing. Allele origin: germline.
Comment: This sequence change replaces arginine, which is basic and polar, with serine, which is neutral and polar, at codon 2032 of the DSCAML1 protein (p.Arg2032Ser). This variant is present in population databases (rs749332074, gnomAD 0.03%). This variant has not been reported in the literature in individuals affected with DSCAML1-related conditions. ClinVar contains an entry for this variant (Variation ID: 2190484). An algorithm developed to predict the effect of missense changes on protein structure and function (PolyPhen-2) suggests that this variant is likely to be tolerated. In summary, the available evidence is currently insufficient to determine the role of this variant in disease. Therefore, it has been classified as a Variant of Uncertain Significance.

NM_020693.4(DSCAML1):c.5916G>T (p.Arg1972Ser)

Gene: DSCAML1 (DS cell adhesion molecule like 1; minus strand). Cytogenetic location: 11q23.3.
Variant type: single nucleotide variant.
Coding change: c.5916G>T on transcript NM_020693.4 (MANE Select); coding-DNA position 5916, G replaced by T.
Protein change: p.Arg1972Ser; replaces arginine 1972 with serine.
Molecular consequence: missense variant.
Genome position (GRCh38, 1-based): chr11:117,428,574, C>A on the plus strand (G>T on the coding strand, the complement: DSCAML1 is on the minus strand). VCF-style: chr11-117428574-C-A. GRCh37 (hg19) VCF-style: chr11-117299290-C-A.
Other names: c.6096G>T (NM_020693.2); short protein forms R1972S.
Identifiers: ClinVar variation 2190484 (VCV002190484.6), dbSNP rs749332074, ClinGen allele CA6295930.
Genomic context (GRCh38, chr11:117,428,574, plus strand): 5'-AGGGGTGGGGCCGGGGGCTGGGGGGGCTGTGCCGGCTGGGGGGGCTGGCATGGCCAGAGT[C>A]CTCTGAGGTAAGGTGGCTGTGGAGGCGGCAGCGGGGGCCCCTGGGTGGGGAAGGCCCAAG-3'
Protein context (NP_065744.3, residues 1962-1982): AAASTATLPQ[Arg1972Ser]TLAMPAPPAG